The following is an entry in ClinVar:

NM_000293.3(PHKB):c.2923T>C (p.Tyr975His)

Gene: PHKB (phosphorylase kinase regulatory subunit beta; plus strand). Cytogenetic location: 16q12.1.
Variant type: single nucleotide variant.
Coding change: c.2923T>C on transcript NM_000293.3 (MANE Select); coding-DNA position 2923, T replaced by C.
Protein change: p.Tyr975His; replaces tyrosine 975 with histidine.
Molecular consequence: missense variant.
Genome position (GRCh38, 1-based): chr16:47,696,408, T>C. VCF-style: chr16-47696408-T-C. GRCh37 (hg19) VCF-style: chr16-47730319-T-C.
Other names: Y974H; c.2902T>C, p.Tyr968His (NM_001031835.3); c.2923T>C, p.Tyr975His (NM_001363837.1); short protein forms Y975H, Y968H.
Identifiers: ClinVar variation 242789 (VCV000242789.3), dbSNP rs111734407.

ClinVar aggregate classification (germline): Uncertain significance (1 of 4 stars; one submission).

Conditions:
Glycogen storage disease IXb (GSD9B). Also called: PHOSPHORYLASE KINASE DEFICIENCY OF LIVER AND MUSCLE, AUTOSOMAL RECESSIVE; GLYCOGENOSIS OF LIVER AND MUSCLE, AUTOSOMAL RECESSIVE; GSD IXb. Identifiers: Orphanet 79240, MedGen C0543514, MONDO:0009868, OMIM 261750.

gnomAD v4.1: 10 of 1,607,606 alleles (0.00062%); highest among the groups gnomAD compares: Non-Finnish European, 0.00077%; no homozygotes.

Submission:

Labcorp Genetics (formerly Invitae), Labcorp
Classification: Uncertain significance for Glycogen storage disease IXb. Last evaluated: 2024-09-13. Review status: criteria provided, single submitter. Criteria: Invitae Variant Classification Sherloc (09022015). Collection method: clinical testing. Allele origin: germline.
Comment: This sequence change replaces tyrosine, which is neutral and polar, with histidine, which is basic and polar, at codon 975 of the PHKB protein (p.Tyr975His). This variant is present in population databases (rs111734407, gnomAD 0.004%). This missense change has been observed in individual(s) with glycogen storage disease (PMID: 17689125). An algorithm developed to predict the effect of missense changes on protein structure and function (PolyPhen-2) suggests that this variant is likely to be tolerated. In summary, the available evidence is currently insufficient to determine the role of this variant in disease. Therefore, it has been classified as a Variant of Uncertain Significance.

Literature cited by the submitters: PubMed 17689125.